The following is an entry in ClinVar:

ClinVar aggregate classification (germline): not provided (0 of 4 stars; one submission).

Conditions:
Familial long QT syndrome (RWS). Also called: Congenital long QT syndrome; Romano-Ward syndrome; VENTRICULAR FIBRILLATION WITH PROLONGED QT INTERVAL. Identifiers: Orphanet 768, MedGen C1141890, MONDO:0019171.

Submission:

Cardiovascular Biomedical Research Unit, Royal Brompton & Harefield NHS Foundation Trust
No classification provided. Condition: Familial long QT syndrome. Review status: no classification provided. Collection method: literature only. Allele origin: germline.
Comment: This variant has been reported as associated with Long QT syndrome in the following publications (PMID:19716085). This is a literature report, and does not necessarily reflect the clinical interpretation of the Imperial College / Royal Brompton Cardiovascular Genetics laboratory.

Literature cited by the submitters: PubMed 19716085; PubMed 22581653.

NM_000218.3(KCNQ1):c.1705A>G (p.Lys569Glu)

Gene: KCNQ1 (potassium voltage-gated channel subfamily Q member 1; plus strand). Cytogenetic location: 11p15.5.
Variant type: single nucleotide variant.
Coding change: c.1705A>G on transcript NM_000218.3 (MANE Select); coding-DNA position 1705, A replaced by G.
Protein change: p.Lys569Glu; replaces lysine 569 with glutamic acid.
Molecular consequence: missense variant.
Genome position (GRCh38, 1-based): chr11:2,777,005, A>G. VCF-style: chr11-2777005-A-G. GRCh37 (hg19) VCF-style: chr11-2798235-A-G.
Other names: c.1705A>G (LRG_287t1); c.1609A>G, p.Lys537Glu (NM_001406836.1); c.1435A>G, p.Lys479Glu (NM_001406837.1); c.1165A>G, p.Lys389Glu (NM_001406838.1); c.1324A>G, p.Lys442Glu (NM_181798.2); short protein forms K569E, K442E, K389E, K479E, K537E.
Identifiers: ClinVar variation 67050 (VCV000067050.3), dbSNP rs199472808, ClinGen allele CA006247.